The following is an entry in ClinVar:

ClinVar aggregate classification (germline): Uncertain significance (1 of 4 stars; one submission).

Submission:

Labcorp Genetics (formerly Invitae), Labcorp
Classification: Uncertain significance. Last evaluated: 2022-07-12. Review status: criteria provided, single submitter. Criteria: Invitae Variant Classification Sherloc (09022015). Collection method: clinical testing. Allele origin: germline.
Comment: In summary, the available evidence is currently insufficient to determine the role of this variant in disease. Therefore, it has been classified as a Variant of Uncertain Significance. Algorithms developed to predict the effect of missense changes on protein structure and function (SIFT, PolyPhen-2, Align-GVGD) all suggest that this variant is likely to be tolerated. ClinVar contains an entry for this variant (Variation ID: 950815). This variant has not been reported in the literature in individuals affected with POLE-related conditions. This variant is not present in population databases (gnomAD no frequency). This sequence change replaces lysine, which is basic and polar, with arginine, which is basic and polar, at codon 717 of the POLE protein (p.Lys717Arg).

NM_006231.4(POLE):c.2150A>G (p.Lys717Arg)

Gene: POLE (DNA polymerase epsilon, catalytic subunit; minus strand). Cytogenetic location: 12q24.33.
Variant type: single nucleotide variant.
Coding change: c.2150A>G on transcript NM_006231.4 (MANE Select); coding-DNA position 2150, A replaced by G.
Protein change: p.Lys717Arg; replaces lysine 717 with arginine.
Molecular consequence: missense variant.
Genome position (GRCh38, 1-based): chr12:132,668,379, T>C on the plus strand (A>G on the coding strand, the complement: POLE is on the minus strand). VCF-style: chr12-132668379-T-C. GRCh37 (hg19) VCF-style: chr12-133244965-T-C.
Other names: short protein forms K717R.
Identifiers: ClinVar variation 950815 (VCV000950815.9), dbSNP rs2042842949, ClinGen allele CA387353640.